The following is an entry in ClinVar:

NM_003919.3(SGCE):c.452T>A (p.Met151Lys)

Genes: CASD1 (CAS1 domain sialic acid O acetyltransferase 1; plus strand), SGCE (sarcoglycan epsilon; minus strand). Cytogenetic location: 7q21.3.
Variant type: single nucleotide variant.
Coding change: c.452T>A on transcript NM_003919.3 (MANE Select); coding-DNA position 452, T replaced by A.
Protein change: p.Met151Lys; replaces methionine 151 with lysine.
Molecular consequence: missense variant.
Genome position (GRCh38, 1-based): chr7:94,623,336, A>T on the plus strand (T>A on the coding strand, the complement: SGCE is on the minus strand). VCF-style: chr7-94623336-A-T. GRCh37 (hg19) VCF-style: chr7-94252648-A-T.
Other names: c.452T>A, p.Met151Lys (NM_001099400.2, NM_001099401.2, NM_001346717.2); c.329T>A, p.Met110Lys (NM_001301139.2, NM_001362809.2); c.560T>A, p.Met187Lys (NM_001346713.2, NM_001346715.2); c.365T>A, p.Met122Lys (NM_001346719.2, NM_001362807.2); c.179T>A, p.Met60Lys (NM_001346720.2, NM_001362808.2); short protein forms M122K, M151K, M187K, M110K, M60K.
Identifiers: ClinVar variation 934072 (VCV000934072.9), dbSNP rs750679376, ClinGen allele CA4348799.

ClinVar aggregate classification (germline): Uncertain significance (1 of 4 stars; one submission).

Conditions:
Myoclonic dystonia 11 (DYT11). Also called: DYT-SGCE; Myoclonic dystonia; Dystonia 11; Dystonia, alcohol responsive; Hereditary essential myoclonus; SGCE Myoclonus-Dystonia. Identifiers: Orphanet 36899, MedGen C1834570, MONDO:0008044, OMIM 159900.

Allele frequency attached by ClinVar (database versions not stated): ExAC 0.00001.

Submission:

Labcorp Genetics (formerly Invitae), Labcorp
Classification: Uncertain significance for Myoclonic dystonia 11. Last evaluated: 2022-03-19. Review status: criteria provided, single submitter. Criteria: Invitae Variant Classification Sherloc (09022015). Collection method: clinical testing. Allele origin: germline.
Comment: In summary, the available evidence is currently insufficient to determine the role of this variant in disease. Therefore, it has been classified as a Variant of Uncertain Significance. Algorithms developed to predict the effect of missense changes on protein structure and function are either unavailable or do not agree on the potential impact of this missense change (SIFT: "Deleterious"; PolyPhen-2: "Benign"; Align-GVGD: "Class C0"). ClinVar contains an entry for this variant (Variation ID: 934072). This variant has not been reported in the literature in individuals affected with SGCE-related conditions. This variant is not present in population databases (gnomAD no frequency). This sequence change replaces methionine, which is neutral and non-polar, with lysine, which is basic and polar, at codon 151 of the SGCE protein (p.Met151Lys).